The following is an entry in ClinVar:

ClinVar aggregate classification (germline): Pathogenic (3 of 4 stars; one submission).

Conditions:
Breast-ovarian cancer, familial, susceptibility to, 2 (BROVCA2). Also called: BRCA2 Hereditary Breast and Ovarian Cancer. Identifiers: Orphanet 145, MedGen C2675520, MONDO:0012933, OMIM 612555. Disease mechanism: loss of function.

Submission:

Evidence-based Network for the Interpretation of Germline Mutant Alleles (ENIGMA)
Classification: Pathogenic for Breast-ovarian cancer, familial, susceptibility to, 2. Last evaluated: 2019-06-18. Review status: reviewed by expert panel. Criteria: ENIGMA BRCA1/2 Classification Criteria (2017-06-29). Collection method: curation. Allele origin: germline.
Comment: IARC class based on posterior probability from multifactorial likelihood analysis, thresholds for class as per Plon et al. 2008 (PMID: 18951446). Class 5 based on posterior probability = 0.999995. This variant was reported to us with undefined breakpoints, therefore the clinical data from different families used in this classification may actually have different variants. However, due to the expected functional consequence being the same we have grouped them for analysis, assuming that variants that delete only these exons may be considered pathogenic (regardless of the breakpoints).

Literature cited by the submitters: PubMed 31131967.

NM_000059.3(BRCA2):c.7008-?_7805+?del

Gene: BRCA2 (BRCA2 DNA repair associated; plus strand).
Variant type: Deletion.
Coding change: c.7008-?_7805+?del on transcript NM_000059.3.
Other names: c.7008-?_7805+?del (LRG_293t1).
Identifiers: ClinVar variation 267671 (VCV000267671.4).